The following is an entry in ClinVar:

ClinVar aggregate classification (germline): Uncertain significance (1 of 4 stars; one submission).

Conditions:
Primary dilated cardiomyopathy (DCM). Also called: Dilated Cardiomyopathy. Identifiers: Orphanet 217604, MedGen C0007193, MeSH D002311, MONDO:0005021, HP:0001644. Inheritance: Various modes of inheritance.

Allele frequency attached by ClinVar (database versions not stated): TOPMed 0.00001; gnomAD 0.00001.
gnomAD v4.1: 1 of 1,611,814 alleles (0.000062%); highest among the groups gnomAD compares: African/African-American, 0.0013%; no homozygotes.

Submission:

Labcorp Genetics (formerly Invitae), Labcorp
Classification: Uncertain significance for Primary dilated cardiomyopathy. Last evaluated: 2025-09-20. Review status: criteria provided, single submitter. Criteria: Invitae Variant Classification Sherloc (09022015). Collection method: clinical testing. Allele origin: germline.
Comment: This sequence change replaces tyrosine, which is neutral and polar, with phenylalanine, which is neutral and non-polar, at codon 360 of the NEBL protein (p.Tyr360Phe). This variant is not present in population databases (gnomAD no frequency). This variant has not been reported in the literature in individuals affected with NEBL-related conditions. ClinVar contains an entry for this variant (Variation ID: 1525395). An algorithm developed to predict the effect of missense changes on protein structure and function (PolyPhen-2) suggests that this variant is likely to be disruptive. In summary, the available evidence is currently insufficient to determine the role of this variant in disease. Therefore, it has been classified as a Variant of Uncertain Significance.

NM_006393.3(NEBL):c.1079A>T (p.Tyr360Phe)

Gene: NEBL (nebulette; minus strand). Cytogenetic location: 10p12.31.
Variant type: single nucleotide variant.
Coding change: c.1079A>T on transcript NM_006393.3 (MANE Select); coding-DNA position 1079, A replaced by T.
Protein change: p.Tyr360Phe; replaces tyrosine 360 with phenylalanine.
Molecular consequence: missense variant. On other transcripts: intron variant (9).
Genome position (GRCh38, 1-based): chr10:20,850,432, T>A on the plus strand (A>T on the coding strand, the complement: NEBL is on the minus strand). VCF-style: chr10-20850432-T-A. GRCh37 (hg19) VCF-style: chr10-21139361-T-A.
Other names: c.250-37492A>T (NM_001377326.1, NM_001377327.1, NM_001377328.1); c.358-37492A>T (NM_213569.2, NM_001173484.2, NM_001377322.1); c.301-37492A>T (NM_001377324.1); c.292-37492A>T (NM_001377325.1); c.310-37492A>T (NM_001377323.1); short protein forms Y360F.
Identifiers: ClinVar variation 1525395 (VCV001525395.6), dbSNP rs1317887456, ClinGen allele CA376099861.
Genomic context (GRCh38, chr10:20,850,432, plus strand): 5'-TAGTAACAAACTAATTGACCTACTTCACTTTGCATCTTTTGAGCCTCCTTTGAAGCTTGA[T>A]ATGATGGTGTCTCAACAAATTCAAGCATTGGCTTTCCCTTATTTTTCTCATATTCTTCTT-3'
Protein context (NP_006384.1, residues 350-370): PMLEFVETPS[Tyr360Phe]QASKEAQKMQ